The following is an entry in ClinVar:

ClinVar aggregate classification (germline): Uncertain significance (1 of 4 stars; one submission).

Conditions:
Familial encephalopathy with neuroserpin inclusion bodies. Also called: ENCEPHALOPATHY, FAMILIAL, WITH COLLINS BODIES. Identifiers: Orphanet 85110, MedGen C1858680, MONDO:0011412, OMIM 604218.

Allele frequency attached by ClinVar (database versions not stated): gnomAD exomes below 0.00001; TOPMed below 0.00001.
gnomAD v4.1: 2 of 1,613,742 alleles (0.00012%); highest among the groups gnomAD compares: Non-Finnish European, 0.00017%; no homozygotes.

Submission:

Labcorp Genetics (formerly Invitae), Labcorp
Classification: Uncertain significance for Familial encephalopathy with neuroserpin inclusion bodies. Last evaluated: 2024-09-25. Review status: criteria provided, single submitter. Criteria: Invitae Variant Classification Sherloc (09022015). Collection method: clinical testing. Allele origin: germline.
Comment: This sequence change replaces isoleucine, which is neutral and non-polar, with valine, which is neutral and non-polar, at codon 251 of the SERPINI1 protein (p.Ile251Val). This variant is not present in population databases (gnomAD no frequency). This variant has not been reported in the literature in individuals affected with SERPINI1-related conditions. ClinVar contains an entry for this variant (Variation ID: 534958). Invitae Evidence Modeling of protein sequence and biophysical properties (such as structural, functional, and spatial information, amino acid conservation, physicochemical variation, residue mobility, and thermodynamic stability) indicates that this missense variant is not expected to disrupt SERPINI1 protein function with a negative predictive value of 80%. In summary, the available evidence is currently insufficient to determine the role of this variant in disease. Therefore, it has been classified as a Variant of Uncertain Significance.

NM_001122752.2(SERPINI1):c.751A>G (p.Ile251Val)

Gene: SERPINI1 (serpin family I member 1; plus strand). Cytogenetic location: 3q26.1.
Variant type: single nucleotide variant.
Coding change: c.751A>G on transcript NM_001122752.2 (MANE Select); coding-DNA position 751, A replaced by G.
Protein change: p.Ile251Val; replaces isoleucine 251 with valine.
Molecular consequence: missense variant.
Genome position (GRCh38, 1-based): chr3:167,794,694, A>G. VCF-style: chr3-167794694-A-G. GRCh37 (hg19) VCF-style: chr3-167512482-A-G.
Other names: c.751A>G, p.Ile251Val (NM_005025.5); short protein forms I251V.
Identifiers: ClinVar variation 534958 (VCV000534958.10), dbSNP rs1553774954, ClinGen allele CA355157056.
Genomic context (GRCh38, chr3:167,794,694, plus strand): 5'-GGCTCCAATGAAGCTGGTGGTATCTACCAAGTCCTAGAAATACCATATGAAGGAGATGAA[A>G]TAAGCATGATGCTGGTGCTGTCCAGACAGGAAGTTCCTCTTGCTACTCTGGAGCCATTAG-3'
Protein context (NP_001116224.1, residues 241-261): VLEIPYEGDE[Ile251Val]SMMLVLSRQE